The following is an entry in ClinVar:

NM_001330701.2(AGTPBP1):c.1303-4232T>C

Gene: AGTPBP1 (ATP/GTP binding carboxypeptidase 1; minus strand). Cytogenetic location: 9q21.33.
Variant type: single nucleotide variant.
Coding change: c.1303-4232T>C on transcript NM_001330701.2 (MANE Select); 4232 bases into the intron before coding-DNA position 1303, T replaced by C.
Molecular consequence: intron variant.
Genome position (GRCh38, 1-based): chr9:85,637,606, A>G on the plus strand (T>C on the coding strand, the complement: AGTPBP1 is on the minus strand). VCF-style: chr9-85637606-A-G. GRCh37 (hg19) VCF-style: chr9-88252521-A-G.
Other names: c.1339-4232T>C (NM_001286717.1); c.1459-4232T>C (NM_001286715.1); c.1183-4232T>C (NM_015239.3).
Identifiers: ClinVar variation 4855565 (VCV004855565.1).

ClinVar aggregate classification (germline): Uncertain significance (1 of 4 stars; one submission).

Conditions:
Neurodegeneration, childhood-onset, with cerebellar atrophy. Identifiers: MedGen C4748934, MONDO:0032650, OMIM 618276.

gnomAD v4.1: 14 of 152,350 alleles (0.0092%); highest among the groups gnomAD compares: South Asian, 0.27%; no homozygotes.

Submission:

3billion
Classification: Uncertain significance for Neurodegeneration, childhood-onset, with cerebellar atrophy. Last evaluated: 2025-11-05. Review status: criteria provided, single submitter. Criteria: ACMG Guidelines, 2015. Collection method: clinical testing. Allele origin: germline. Affected: yes.
Comment: The variant is not observed in the gnomAD v4.1.0 dataset. Predicted Consequence/Location: Canonical splice site: predicted to alter splicing and result in a loss or disruption of normal protein function. Multiple pathogenic loss-of-function variants are reported downstream of the variant. In silico tools predict the variant to alter splicing and produce an abnormal transcript [SpliceAI: 1.00 (spliceogenicity >=0.2, non-spliceogenicity <0.1)]. Therefore, this variant is classified as Likely pathogenic according to the recommendation of ACMG/AMP guideline.